The following is an entry in ClinVar:

NM_030962.4(SBF2):c.3767T>C (p.Val1256Ala)

Gene: SBF2 (SET binding factor 2; minus strand). Cytogenetic location: 11p15.4.
Variant type: single nucleotide variant.
Coding change: c.3767T>C on transcript NM_030962.4 (MANE Select); coding-DNA position 3767, T replaced by C.
Protein change: p.Val1256Ala; replaces valine 1256 with alanine.
Molecular consequence: missense variant. On other transcripts: intron variant (1).
Genome position (GRCh38, 1-based): chr11:9,829,382, A>G on the plus strand (T>C on the coding strand, the complement: SBF2 is on the minus strand). VCF-style: chr11-9829382-A-G. GRCh37 (hg19) VCF-style: chr11-9850929-A-G.
Other names: c.3767T>C, p.Val1256Ala (NM_001386339.1); c.3638T>C, p.Val1213Ala (NM_001386342.1); c.3803T>C, p.Val1268Ala (NM_001424318.1, NM_001425070.1); c.3688+2842T>C (NM_001425069.1); short protein forms V1213A, V1256A, V1268A.
Identifiers: ClinVar variation 4685844 (VCV004685844.1).
Genomic context (GRCh38, chr11:9,829,382, plus strand): 5'-AGCTGTCAAGAAGAAAAGTATTATCAAATCTTACCTGGAGATAGAGCAAAGGCTGGCCTG[A>G]CAGTAAGAGTGCTGTTGCCTCTGAGTTTCTGATGGACAGAAACAGCATTCAGTAAGGCTT-3'
Protein context (NP_112224.1, residues 1246-1266): QKLRGNSTLT[Val1256Ala]RPAFALSPGV

ClinVar aggregate classification (germline): Uncertain significance (1 of 4 stars; one submission).

Conditions:
Charcot-Marie-Tooth disease type 4B2. Also called: Charcot-Marie-Tooth Neuropathy Type 4B2; CHARCOT-MARIE-TOOTH DISEASE, WITH FOCALLY FOLDED MYELIN SHEATHS, AUTOSOMAL RECESSIVE, TYPE 4B2; CMT 4B2; CHARCOT-MARIE-TOOTH DISEASE, DEMYELINATING, TYPE 4B2. Identifiers: Orphanet 99956, MedGen C1858278, MONDO:0011475, OMIM 604563.

Submission:

ARUP Laboratories, Molecular Genetics and Genomics, ARUP Laboratories
Classification: Uncertain significance for Charcot-Marie-Tooth disease type 4B2. Last evaluated: 2025-05-23. Review status: criteria provided, single submitter. Criteria: ARUP Molecular Germline Variant Investigation Process 2024. Collection method: clinical testing. Allele origin: germline.
Comment: The SBF2 c.3767T>C; p.Val1256Ala variant, to our knowledge, is not reported in the medical literature or gene specific databases. This variant is also absent from the Genome Aggregation Database (v2.1.1), indicating it is not a common polymorphism. Computational analyses are uncertain whether this variant is neutral or deleterious (REVEL: 0.246). Due to limited information, the clinical significance of this variant is uncertain at this time.